The following is an entry in ClinVar:

ClinVar aggregate classification (germline): Likely benign (0 of 4 stars; one submission).

Conditions:
PLXNA1-related disorder. Also called: PLXNA1-related condition.

Allele frequency attached by ClinVar (database versions not stated): gnomAD 0.00002; TOPMed 0.00006; ExAC 0.00009; gnomAD exomes 0.00009.
gnomAD v4.1: 59 of 1,613,136 alleles (0.0037%); highest among the groups gnomAD compares: Admixed American, 0.097%; 1 homozygote.

Submission:

PreventionGenetics, part of Exact Sciences
Classification: Likely benign for PLXNA1-related condition. Last evaluated: 2020-02-05. Review status: no assertion criteria provided. Collection method: clinical testing. Allele origin: germline.
Comment: This variant is classified as likely benign based on ACMG/AMP sequence variant interpretation guidelines (Richards et al. 2015 PMID: 25741868, with internal and published modifications).

NM_032242.4(PLXNA1):c.970C>T (p.Leu324=)

Gene: PLXNA1 (plexin A1; plus strand). Cytogenetic location: 3q21.3.
Variant type: single nucleotide variant.
Coding change: c.970C>T on transcript NM_032242.4 (MANE Select); coding-DNA position 970, C replaced by T.
Protein change: p.Leu324=; no amino-acid change (leucine 324 retained).
Molecular consequence: synonymous variant.
Genome position (GRCh38, 1-based): chr3:126,989,563, C>T. VCF-style: chr3-126989563-C-T. GRCh37 (hg19) VCF-style: chr3-126708406-C-T.
Identifiers: ClinVar variation 3052026 (VCV003052026.2), dbSNP rs762452723, ClinGen allele CA2593094.